The following is an entry in ClinVar:

ClinVar aggregate classification (germline): Uncertain significance (1 of 4 stars; one submission).

Submission:

Women's Health and Genetics/Laboratory Corporation of America, LabCorp
Classification: Uncertain significance. Last evaluated: 2022-08-05. Review status: criteria provided, single submitter. Criteria: LabCorp Variant Classification Summary - May 2015. Collection method: clinical testing. Allele origin: germline.
Comment: Variant summary: GJB2 c.-90A>G is located in the untranslated mRNA region upstream of the initiation codon. The variant was absent in 31272 control chromosomes. The available data on variant occurrences in the general population are insufficient to allow any conclusion about variant significance. To our knowledge, no occurrence of c.-90A>G in individuals affected with Non-Syndromic Hearing Loss and no experimental evidence demonstrating its impact on protein function have been reported. No clinical diagnostic laboratories have submitted clinical-significance assessments for this variant to ClinVar after 2014. Based on the evidence outlined above, the variant was classified as uncertain significance.

NM_004004.6(GJB2):c.-90A>G

Gene: GJB2 (gap junction protein beta 2; minus strand). Cytogenetic location: 13q12.11.
Variant type: single nucleotide variant.
Coding change: c.-90A>G on transcript NM_004004.6 (MANE Select); 90 bases upstream of the start codon, A replaced by G.
Molecular consequence: 5 prime UTR variant.
Genome position (GRCh38, 1-based): chr13:20,192,850, T>C on the plus strand (A>G on the coding strand, the complement: GJB2 is on the minus strand). VCF-style: chr13-20192850-T-C. GRCh37 (hg19) VCF-style: chr13-20766989-T-C.
Identifiers: ClinVar variation 1705046 (VCV001705046.1), dbSNP rs2500262345, ClinGen allele CA2580086786.
Genomic context (GRCh38, chr13:20,192,850, plus strand): 5'-GGGAGGAAGCGCGGCGGGGCCGGGGCGGGGGTCTCGGCGTTGGGGTCTCTGCGCTGGGGC[T>C]CCTGCGCTCCTAGGCGGGTCCTGGGCCGGGCGCCGCCGAGGGGCTCCGAGTCGGGGAGAG-3'